The following is an entry in ClinVar:

NM_004369.4(COL6A3):c.1513A>G (p.Lys505Glu)

Gene: COL6A3 (collagen type VI alpha 3 chain; minus strand). Cytogenetic location: 2q37.3.
Variant type: single nucleotide variant.
Coding change: c.1513A>G on transcript NM_004369.4 (MANE Select); coding-DNA position 1513, A replaced by G.
Protein change: p.Lys505Glu; replaces lysine 505 with glutamic acid.
Molecular consequence: missense variant.
Genome position (GRCh38, 1-based): chr2:237,381,299, T>C on the plus strand (A>G on the coding strand, the complement: COL6A3 is on the minus strand). VCF-style: chr2-237381299-T-C. GRCh37 (hg19) VCF-style: chr2-238289942-T-C.
Other names: c.292A>G, p.Lys98Glu (NM_057164.5, NM_057166.5); c.895A>G, p.Lys299Glu (NM_057165.5, NM_057167.4); short protein forms K505E, K98E, K299E.
Identifiers: ClinVar variation 289649 (VCV000289649.7), dbSNP rs886044230, ClinGen allele CA10606507.

ClinVar aggregate classification (germline): Uncertain significance. Review status: criteria provided, multiple submitters, no conflicts (2 of 4 stars). 2 submissions from 2 submitters: Uncertain significance (2). Last evaluated 2024-04-12.

Conditions:
Bethlem myopathy 1A. Also called: Bethlem Muscular Dystrophy; MYOPATHY, BENIGN CONGENITAL, WITH CONTRACTURES; Bethlem myopathy 1. Identifiers: Orphanet 610, MedGen CN029274, MONDO:0024530, OMIM 158810.

Submissions (2):

Labcorp Genetics (formerly Invitae), Labcorp
Classification: Uncertain significance for Bethlem myopathy 1A. Last evaluated: 2024-04-12. Review status: criteria provided, single submitter. Criteria: Invitae Variant Classification Sherloc (09022015). Collection method: clinical testing. Allele origin: germline.
Comment: This sequence change replaces lysine, which is basic and polar, with glutamic acid, which is acidic and polar, at codon 505 of the COL6A3 protein (p.Lys505Glu). This variant is not present in population databases (gnomAD no frequency). This variant has not been reported in the literature in individuals affected with COL6A3-related conditions. ClinVar contains an entry for this variant (Variation ID: 289649). Advanced modeling of protein sequence and biophysical properties (such as structural, functional, and spatial information, amino acid conservation, physicochemical variation, residue mobility, and thermodynamic stability) performed at Invitae indicates that this missense variant is not expected to disrupt COL6A3 protein function with a negative predictive value of 95%. In summary, the available evidence is currently insufficient to determine the role of this variant in disease. Therefore, it has been classified as a Variant of Uncertain Significance.

Eurofins Ntd Llc (ga)
Classification: Uncertain significance. Last evaluated: 2016-08-15. Review status: criteria provided, single submitter. Criteria: EGL Classification Definitions 2015. Collection method: clinical testing. Allele origin: germline. Observed: 1 variant allele, 1 heterozygote.